The following is an entry in ClinVar:

NM_004035.7(ACOX1):c.139C>T (p.Gln47Ter)

Gene: ACOX1 (acyl-CoA oxidase 1; minus strand). Cytogenetic location: 17q25.1.
Variant type: single nucleotide variant.
Coding change: c.139C>T on transcript NM_004035.7 (MANE Select); coding-DNA position 139, C replaced by T.
Protein change: p.Gln47Ter; replaces glutamine 47 with a stop codon.
Molecular consequence: nonsense.
Genome position (GRCh38, 1-based): chr17:75,978,664, G>A on the plus strand (C>T on the coding strand, the complement: ACOX1 is on the minus strand). VCF-style: chr17-75978664-G-A. GRCh37 (hg19) VCF-style: chr17-73974745-G-A.
Other names: c.25C>T, p.Gln9Ter (NM_001185039.2); c.139C>T, p.Gln47Ter (NM_007292.6); short protein forms Q47*, Q9*.
Identifiers: ClinVar variation 2972345 (VCV002972345.3), dbSNP rs2546098054, ClinGen allele CA401083803.

ClinVar aggregate classification (germline): Pathogenic (1 of 4 stars; one submission).

Conditions:
Acyl-CoA oxidase deficiency. Also called: Peroxisomal acyl-CoA oxidase deficiency; STRAIGHT-CHAIN ACYL-CoA OXIDASE DEFICIENCY; Pseudoneonatal adrenoleukodystrophy. Identifiers: Orphanet 2971, MedGen C1849678, MONDO:0009919, OMIM 264470. Disease mechanism: loss of function.

Allele frequency attached by ClinVar (database versions not stated): gnomAD exomes below 0.00001.

Submission:

Labcorp Genetics (formerly Invitae), Labcorp
Classification: Pathogenic for Acyl-CoA oxidase deficiency. Last evaluated: 2023-01-26. Review status: criteria provided, single submitter. Criteria: Invitae Variant Classification Sherloc (09022015). Collection method: clinical testing. Allele origin: germline.
Comment: For these reasons, this variant has been classified as Pathogenic. This variant has not been reported in the literature in individuals affected with ACOX1-related conditions. This variant is not present in population databases (gnomAD no frequency). This sequence change creates a premature translational stop signal (p.Gln47*) in the ACOX1 gene. It is expected to result in an absent or disrupted protein product. Loss-of-function variants in ACOX1 are known to be pathogenic (PMID: 8040306, 17458872).

Literature cited by the submitters: PubMed 8040306; PubMed 17458872.